The following is an entry in ClinVar:

NM_001142800.2(EYS):c.1460-1G>A

Gene: EYS (EGF-like photoreceptor maintenance factor; minus strand). Cytogenetic location: 6q12.
Variant type: single nucleotide variant.
Coding change: c.1460-1G>A on transcript NM_001142800.2 (MANE Select); the canonical splice acceptor site of the intron before coding-DNA position 1460, G replaced by A.
Molecular consequence: splice acceptor variant.
Genome position (GRCh38, 1-based): chr6:65,344,178, C>T on the plus strand (G>A on the coding strand, the complement: EYS is on the minus strand). VCF-style: chr6-65344178-C-T. GRCh37 (hg19) VCF-style: chr6-66054071-C-T.
Other names: c.1460-1G>A (NM_001292009.2, NM_001142801.2, NM_198283.2).
Identifiers: ClinVar variation 1984534 (VCV001984534.4), dbSNP rs2533170427, ClinGen allele CA364661591.

ClinVar aggregate classification (germline): Likely pathogenic (1 of 4 stars; one submission).

Submission:

Labcorp Genetics (formerly Invitae), Labcorp
Classification: Likely pathogenic. Last evaluated: 2024-01-02. Review status: criteria provided, single submitter. Criteria: Invitae Variant Classification Sherloc (09022015). Collection method: clinical testing. Allele origin: germline.
Comment: This sequence change affects an acceptor splice site in intron 9 of the EYS gene. It is expected to disrupt RNA splicing. Variants that disrupt the donor or acceptor splice site typically lead to a loss of protein function (PMID: 16199547), and loss-of-function variants in EYS are known to be pathogenic (PMID: 18836446, 20333770). This variant is not present in population databases (gnomAD no frequency). This variant has not been reported in the literature in individuals affected with EYS-related conditions. ClinVar contains an entry for this variant (Variation ID: 1984534). Algorithms developed to predict the effect of sequence changes on RNA splicing suggest that this variant may disrupt the consensus splice site. In summary, the currently available evidence indicates that the variant is pathogenic, but additional data are needed to prove that conclusively. Therefore, this variant has been classified as Likely Pathogenic.

Literature cited by the submitters: PubMed 16199547; PubMed 18836446; PubMed 20333770.